The following is an entry in ClinVar:

ClinVar aggregate classification (germline): Uncertain significance. Review status: criteria provided, multiple submitters, no conflicts (2 of 4 stars). 3 submissions from 3 submitters: Uncertain significance (3). Last evaluated 2025-08-07.

Conditions:
Inborn genetic diseases. Identifiers: MedGen C0950123, MeSH D030342.
Brody myopathy. Also called: BRODY DISEASE. Identifiers: Orphanet 53347, MedGen C1832918, MONDO:0010977, OMIM 601003.

Allele frequency attached by ClinVar (database versions not stated): gnomAD exomes 0.00001.
gnomAD v4.1: 15 of 1,614,186 alleles (0.00093%); highest among the groups gnomAD compares: Non-Finnish European, 0.00093%; no homozygotes.

Submissions (3):

Ambry Genetics
Classification: Uncertain significance for Inborn genetic diseases. Last evaluated: 2025-08-07. Review status: criteria provided, single submitter. Criteria: Ambry Variant Classification Scheme 2023. Collection method: clinical testing. Allele origin: germline.

Labcorp Genetics (formerly Invitae), Labcorp
Classification: Uncertain significance for Brody myopathy. Last evaluated: 2022-07-25. Review status: criteria provided, single submitter. Criteria: Invitae Variant Classification Sherloc (09022015). Collection method: clinical testing. Allele origin: germline.
Comment: This sequence change replaces methionine, which is neutral and non-polar, with threonine, which is neutral and polar, at codon 546 of the ATP2A1 protein (p.Met546Thr). This variant is present in population databases (no rsID available, gnomAD 0.0009%). This variant has not been reported in the literature in individuals affected with ATP2A1-related conditions. Algorithms developed to predict the effect of missense changes on protein structure and function are either unavailable or do not agree on the potential impact of this missense change (SIFT: "Deleterious"; PolyPhen-2: "Benign"; Align-GVGD: "Class C0"). In summary, the available evidence is currently insufficient to determine the role of this variant in disease. Therefore, it has been classified as a Variant of Uncertain Significance.

Revvity Omics, Revvity
Classification: Uncertain significance for Brody myopathy. Last evaluated: 2019-07-18. Review status: criteria provided, single submitter. Criteria: ACMG Guidelines, 2015. Collection method: clinical testing. Allele origin: germline.

NM_004320.6(ATP2A1):c.1637T>C (p.Met546Thr)

Gene: ATP2A1 (ATPase sarcoplasmic/endoplasmic reticulum Ca2+ transporting 1; plus strand). Cytogenetic location: 16p11.2.
Variant type: single nucleotide variant.
Coding change: c.1637T>C on transcript NM_004320.6 (MANE Select); coding-DNA position 1637, T replaced by C.
Protein change: p.Met546Thr; replaces methionine 546 with threonine.
Molecular consequence: missense variant.
Genome position (GRCh38, 1-based): chr16:28,898,324, T>C. VCF-style: chr16-28898324-T-C. GRCh37 (hg19) VCF-style: chr16-28909645-T-C.
Other names: c.1262T>C, p.Met421Thr (NM_001286075.2); c.1637T>C, p.Met546Thr (NM_173201.5); c.1637T>C (NM_173201.3); short protein forms M546T, M421T.
Identifiers: ClinVar variation 2047372 (VCV002047372.5), dbSNP rs1449029475, ClinGen allele CA395409757.